The following is an entry in ClinVar:

NC_000017.10:g.(?_2568646)_(2570512_?)del

Gene: PAFAH1B1 (platelet activating factor acetylhydrolase 1b regulatory subunit 1; plus strand). Cytogenetic location: 17p13.3.
Variant type: Deletion.
Identifiers: ClinVar variation 2423074 (VCV002423074.4).

ClinVar aggregate classification (germline): Pathogenic (1 of 4 stars; one submission).

Submission:

Labcorp Genetics (formerly Invitae), Labcorp
Classification: Pathogenic. Last evaluated: 2021-12-08. Review status: criteria provided, single submitter. Criteria: Invitae Variant Classification Sherloc (09022015). Collection method: clinical testing. Allele origin: germline.
Comment: For these reasons, this variant has been classified as Pathogenic. A similar copy number variant has been observed in individual(s) with lissencephaly (PMID: 18285425, 29671837). This variant is a gross deletion of the genomic region encompassing exon(s) 3-5 of the PAFAH1B1 gene. This deletion is out-of-frame, and is expected to create a premature termination codon and result in an absent or disrupted protein product. Loss-of-function variants in PAFAH1B1 are known to be pathogenic (PMID: 1671808, 11115846, 14581661).

Literature cited by the submitters: PubMed 18285425; PubMed 29671837; PubMed 1671808; PubMed 11115846; PubMed 14581661.